The following is an entry in ClinVar:

NM_001283009.2(RTEL1):c.2788G>A (p.Ala930Thr)

Genes: RTEL1 (regulator of telomere elongation helicase 1; plus strand), RTEL1-TNFRSF6B (RTEL1-TNFRSF6B readthrough (NMD candidate); plus strand). Cytogenetic location: 20q13.33.
Variant type: single nucleotide variant.
Coding change: c.2788G>A on transcript NM_001283009.2 (MANE Select); coding-DNA position 2788, G replaced by A.
Protein change: p.Ala930Thr; replaces alanine 930 with threonine.
Molecular consequence: missense variant. On other transcripts: non-coding transcript variant (1).
Genome position (GRCh38, 1-based): chr20:63,692,940, G>A. VCF-style: chr20-63692940-G-A. GRCh37 (hg19) VCF-style: chr20-62324293-G-A.
Other names: c.2119G>A, p.Ala707Thr (NM_001283010.1); c.2788G>A, p.Ala930Thr (NM_016434.4); c.2860G>A, p.Ala954Thr (NM_032957.5); short protein forms A930T, A707T, A954T.
Identifiers: ClinVar variation 661785 (VCV000661785.13), dbSNP rs371721039, ClinGen allele CA9965539.

ClinVar aggregate classification (germline): Uncertain significance. Review status: criteria provided, multiple submitters, no conflicts (2 of 4 stars). 3 submissions from 3 submitters: Uncertain significance (3). Last evaluated 2025-01-05.

Conditions:
Dyskeratosis congenita, autosomal recessive 5 (DKCB5). Identifiers: MedGen C3554656, MONDO:0014076, OMIM 615190.
Pulmonary fibrosis and/or bone marrow failure, Telomere-related, 3. Also called: PULMONARY FIBROSIS AND/OR BONE MARROW FAILURE SYNDROME, TELOMERE-RELATED, 3. Identifiers: Orphanet 2032, MedGen C4225346, MONDO:0014613, OMIM 616373.
Inborn genetic diseases. Identifiers: MedGen C0950123, MeSH D030342.

Allele frequency attached by ClinVar (database versions not stated): ExAC 0.00001; gnomAD 0.00001; gnomAD exomes 0.00001; TOPMed 0.00001; ESP Exome Variant Server 0.00008.
gnomAD v4.1: 8 of 1,612,596 alleles (0.0005%); highest among the groups gnomAD compares: African/African-American, 0.0027%; no homozygotes.

Submissions (3):

Ambry Genetics
Classification: Uncertain significance for Inborn genetic diseases. Last evaluated: 2025-01-05. Review status: criteria provided, single submitter. Criteria: Ambry Variant Classification Scheme 2023. Collection method: clinical testing. Allele origin: germline.
Comment: The p.A930T variant (also known as c.2788G>A), located in coding exon 28 of the RTEL1 gene, results from a G to A substitution at nucleotide position 2788. The alanine at codon 930 is replaced by threonine, an amino acid with similar properties. This amino acid position is conserved. In addition, the in silico prediction for this alteration is inconclusive. Based on the available evidence, the clinical significance of this variant remains unclear.

Labcorp Genetics (formerly Invitae), Labcorp
Classification: Uncertain significance for Dyskeratosis congenita, autosomal recessive 5; Pulmonary fibrosis and/or bone marrow failure, Telomere-related, 3. Last evaluated: 2024-06-24. Review status: criteria provided, single submitter. Criteria: Invitae Variant Classification Sherloc (09022015). Collection method: clinical testing. Allele origin: germline.
Comment: This sequence change replaces alanine, which is neutral and non-polar, with threonine, which is neutral and polar, at codon 930 of the RTEL1 protein (p.Ala930Thr). This variant is present in population databases (rs371721039, gnomAD 0.01%). This variant has not been reported in the literature in individuals affected with RTEL1-related conditions. ClinVar contains an entry for this variant (Variation ID: 661785). Algorithms developed to predict the effect of missense changes on protein structure and function output the following: SIFT: "Not Available"; PolyPhen-2: "Benign"; Align-GVGD: "Not Available". The threonine amino acid residue is found in multiple mammalian species, which suggests that this missense change does not adversely affect protein function. In summary, the available evidence is currently insufficient to determine the role of this variant in disease. Therefore, it has been classified as a Variant of Uncertain Significance.

Mayo Clinic Laboratories, Mayo Clinic
Classification: Uncertain significance. Last evaluated: 2021-03-18. Review status: criteria provided, single submitter. Criteria: ACMG Guidelines, 2015. Collection method: clinical testing. Allele origin: germline. Observed: 1 variant allele.